The following is an entry in ClinVar:

ClinVar aggregate classification (germline): Likely pathogenic (1 of 4 stars; one submission).

Conditions:
Arrhythmogenic right ventricular dysplasia 9 (ARVD9). Also called: Arrhythmogenic Right Ventricular Dysplasia/Cardiomyopathy 9; ARRHYTHMOGENIC RIGHT VENTRICULAR DYSPLASIA, FAMILIAL, 9. Identifiers: MedGen C1836906, MONDO:0012180, OMIM 609040.

Submission:

Department of Molecular Genetics, Istishari Arab Hospital
Classification: Likely pathogenic for Arrhythmogenic right ventricular dysplasia 9. Last evaluated: 2026-10-29. Review status: criteria provided, single submitter. Criteria: ACMG Guidelines, 2015. Collection method: clinical testing. Allele origin: germline. Inheritance: Autosomal dominant inheritance. Affected: yes.
Comment: The PKP2 variant c.2052_2059dup, p.(Leu687GlnfsTer18), is an eight-nucleotide duplication in exon 10 of 13 that shifts the reading frame from codon 687 and introduces a premature termination 18 codons downstream. The altered transcript is predicted to undergo nonsense-mediated decay, resulting in loss of function. Loss of function is an established disease mechanism for PKP2-related arrhythmogenic right ventricular cardiomyopathy. The variant is not observed in the gnomAD v4.1.0 dataset, and to the best of our knowledge, it was not previously reported in the literature. It is classified as likely pathogenic based on the implementation of the ACMG guidelines.

NM_001005242.3(PKP2):c.2052_2059dup (p.Leu687fs)

Gene: PKP2 (plakophilin 2; minus strand). Cytogenetic location: 12p11.21.
Variant type: Duplication.
Coding change: c.2052_2059dup on transcript NM_001005242.3 (MANE Select); coding-DNA positions 2052 to 2059, 8 bases duplicated (AAGTGGCC; older notation c.2052_2059dupAAGTGGCC).
Protein change: p.Leu687fs; shifts the reading frame from leucine 687.
Molecular consequence: frameshift variant.
Genome position (GRCh38, 1-based): chr12:32,802,511-32,802,518, GGCCACTT duplicated on the plus strand (AAGTGGCC on the coding strand, the reverse complement: PKP2 is on the minus strand). VCF-style (leftmost placement, unchanged base first): chr12-32802510-A-AGGCCACTT. GRCh37 (hg19) VCF-style: chr12-32955444-A-AGGCCACTT.
Other names: p.Leu687GlnfsTer18; c.2052_2059dup, p.Leu687fs (NM_001407155.1); c.1887_1894dup, p.Leu632fs (NM_001407156.1); c.1725_1732dup, p.Leu578fs (NM_001407158.1, NM_001407159.1, NM_001407160.1); c.2184_2191dup, p.Leu731fs (NM_004572.4); short protein forms L578fs, L632fs, L687fs, L731fs.
Identifiers: ClinVar variation 5038041 (VCV005038041.1).